The following is an entry in ClinVar:

NM_001203.3(BMPR1B):c.402_405del (p.Cys135fs)

Gene: BMPR1B (bone morphogenetic protein receptor type 1B; plus strand). Cytogenetic location: 4q22.3.
Variant type: Microsatellite.
Coding change: c.402_405del on transcript NM_001203.3 (MANE Select); coding-DNA positions 402 to 405, 4 bases deleted (CTGT; older notation c.402_405delCTGT).
Protein change: p.Cys135fs; shifts the reading frame from cysteine 135.
Molecular consequence: frameshift variant.
Genome position (GRCh38, 1-based): chr4:95,123,862-95,123,865, CTGT deleted; deleting any 4 consecutive bases within chr4:95,123,858-95,123,865 gives the same sequence; the c. name uses the placement nearest the transcript's 3' end. VCF-style (leftmost placement, unchanged base first): chr4-95123857-ACTGT-A. GRCh37 (hg19) VCF-style: chr4-96045008-ACTGT-A.
Other names: c.402_405del, p.Cys135fs (NM_001256792.2, NM_001256794.1); c.492_495del, p.Cys165fs (NM_001256793.2); short protein forms C165fs, C135fs.
Identifiers: ClinVar variation 2926869 (VCV002926869.3), dbSNP rs1560671891, ClinGen allele CA553209251.

ClinVar aggregate classification (germline): Pathogenic (1 of 4 stars; one submission).

Conditions:
Type A2 brachydactyly (BDA2). Also called: MOHR-WRIEDT TYPE BRACHYDACTYLY; Brachymesophalangy type 2; BRACHYMESOPHALANGY II. Identifiers: Orphanet 93396, MedGen C1832702, MONDO:0007216, OMIM 112600, HP:0009372.
Acromesomelic dysplasia 3 (AMD3). Also called: CHONDRODYSPLASIA, ACROMESOMELIC, WITH OR WITHOUT GENITAL ANOMALIES; Acromesomelic dysplasia, Demirhan type. Identifiers: MedGen C4225404, MONDO:0012274, OMIM 609441.

Submission:

Labcorp Genetics (formerly Invitae), Labcorp
Classification: Pathogenic for Type A2 brachydactyly; Acromesomelic dysplasia 3. Last evaluated: 2024-07-24. Review status: criteria provided, single submitter. Criteria: Invitae Variant Classification Sherloc (09022015). Collection method: clinical testing. Allele origin: germline.
Comment: This sequence change creates a premature translational stop signal (p.Cys135Valfs*28) in the BMPR1B gene. It is expected to result in an absent or disrupted protein product. Loss-of-function variants in BMPR1B are known to be pathogenic (PMID: 15805157, 24129431). This variant is present in population databases (no rsID available, gnomAD no frequency). This variant has not been reported in the literature in individuals affected with BMPR1B-related conditions. For these reasons, this variant has been classified as Pathogenic.

Literature cited by the submitters: PubMed 15805157; PubMed 24129431.